The following is an entry in ClinVar:

ClinVar aggregate classification (germline): Uncertain significance (1 of 4 stars; one submission).

Conditions:
Hereditary sensory and autonomic neuropathy type 6. Also called: HSAN VI; Neuropathy, hereditary sensory and autonomic, type VI. Identifiers: Orphanet 314381, MedGen C3539003, MONDO:0013839, OMIM 614653.
Epidermolysis bullosa simplex 3, localized or generalized intermediate, with BP230 deficiency (EBS3). Also called: Epidermolysis bullosa simplex due to BP230 deficiency; Epidermolysis bullosa simplex, autosomal recessive 2. Identifiers: Orphanet 412181, MedGen C3809470, MONDO:0014180, OMIM 615425.

Submission:

Labcorp Genetics (formerly Invitae), Labcorp
Classification: Uncertain significance for Epidermolysis bullosa simplex 3, localized or generalized intermediate, with BP230 deficiency; Hereditary sensory and autonomic neuropathy type 6. Last evaluated: 2022-06-13. Review status: criteria provided, single submitter. Criteria: Invitae Variant Classification Sherloc (09022015). Collection method: clinical testing. Allele origin: germline.
Comment: In summary, the available evidence is currently insufficient to determine the role of this variant in disease. Therefore, it has been classified as a Variant of Uncertain Significance. Experimental studies and prediction algorithms are not available or were not evaluated, and the functional significance of this variant is currently unknown. This variant has not been reported in the literature in individuals affected with DST-related conditions. This variant is not present in population databases (gnomAD no frequency). This sequence change replaces tryptophan, which is neutral and slightly polar, with cysteine, which is neutral and slightly polar, at codon 3752 of the DST protein (p.Trp3752Cys). The DST gene has multiple clinically relevant transcripts. This variant occurs in alternate transcript NM_015548.4, and corresponds to NM_001723.5:c.*106874G>T in the primary transcript.

NM_001374736.1(DST):c.19125G>T (p.Trp6375Cys)

Gene: DST (dystonin; minus strand). Cytogenetic location: 6p12.1.
Variant type: single nucleotide variant.
Coding change: c.19125G>T on transcript NM_001374736.1 (MANE Select); coding-DNA position 19125, G replaced by T.
Protein change: p.Trp6375Cys; replaces tryptophan 6375 with cysteine.
Molecular consequence: missense variant.
Genome position (GRCh38, 1-based): chr6:56,508,643, C>A on the plus strand (G>T on the coding strand, the complement: DST is on the minus strand). VCF-style: chr6-56508643-C-A. GRCh37 (hg19) VCF-style: chr6-56373441-C-A.
Other names: c.12768G>T, p.Trp4256Cys (NM_001144769.5); c.12354G>T, p.Trp4118Cys (NM_001144770.2); c.19125G>T, p.Trp6375Cys (NM_001374722.1); c.18165G>T, p.Trp6055Cys (NM_001374729.1); c.11907G>T, p.Trp3969Cys (NM_001374730.1); c.19152G>T, p.Trp6384Cys (NM_001374734.1); c.12234G>T, p.Trp4078Cys (NM_001386100.1, NM_183380.4); c.11256G>T, p.Trp3752Cys (NM_015548.5); short protein forms W3752C, W4078C, W4118C, W4256C, W3969C, W6375C, W6384C, W6055C.
Identifiers: ClinVar variation 2005760 (VCV002005760.4), dbSNP rs2534315429, ClinGen allele CA364523571.